The following is an entry in ClinVar:

ClinVar aggregate classification (germline): Conflicting classifications of pathogenicity. Review status: criteria provided, conflicting classifications (1 of 4 stars). 5 submissions from 5 submitters: Uncertain significance (4); Benign (1). Last evaluated 2025-12-14.

Conditions:
Malignant hyperthermia, susceptibility to, 5 (MHS5). Also called: CACNA1S-Related Malignant Hyperthermia Susceptibility. Identifiers: Orphanet 423, MedGen C1866077, MONDO:0011163, OMIM 601887.
Hypokalemic periodic paralysis, type 1. Also called: HypoPP; Hypokalemic Periodic Paralysis Type 1 (AD). Identifiers: Orphanet 681, MedGen C3714580, MONDO:0042979, OMIM 170400.
Inborn genetic diseases. Identifiers: MedGen C0950123, MeSH D030342.

Allele frequency attached by ClinVar (database versions not stated): gnomAD below 0.00001 and 0.00001; TOPMed 0.00001; ExAC 0.00006.
gnomAD v4.1: 35 of 1,614,064 alleles (0.0022%); highest among the groups gnomAD compares: South Asian, 0.026%; no homozygotes.

Submissions (5):

Labcorp Genetics (formerly Invitae), Labcorp
Classification: Benign for Hypokalemic periodic paralysis, type 1; Malignant hyperthermia, susceptibility to, 5. Last evaluated: 2025-12-14. Review status: criteria provided, single submitter. Criteria: Invitae Variant Classification Sherloc (09022015). Collection method: clinical testing. Allele origin: germline.

Ambry Genetics
Classification: Uncertain significance for Inborn genetic diseases. Last evaluated: 2025-11-11. Review status: criteria provided, single submitter. Criteria: Ambry Variant Classification Scheme 2023. Collection method: clinical testing. Allele origin: germline.

GeneDx
Classification: Uncertain significance. Last evaluated: 2025-06-16. Review status: criteria provided, single submitter. Criteria: GeneDx Variant Classification Process June 2021. Collection method: clinical testing. Allele origin: germline. Affected: yes.
Comment: In silico analysis supports that this missense variant has a deleterious effect on protein structure/function; Has not been previously published as pathogenic or benign to our knowledge

All of Us Research Program, National Institutes of Health
Classification: Uncertain significance for Malignant hyperthermia, susceptibility to, 5. Last evaluated: 2023-04-03. Review status: criteria provided, single submitter. Criteria: ACMG Guidelines, 2015. Collection method: clinical testing. Allele origin: germline. Inheritance: Autosomal dominant inheritance. Observed: 1 variant allele, 1 heterozygote.
Comment: This missense variant replaces valine with methionine at codon 429 of the CACNA1S protein. Computational prediction is inconclusive regarding the impact of this variant on protein structure and function (internally defined REVEL score threshold 0.5 < inconclusive < 0.7, PMID: 27666373). To our knowledge, functional studies have not been reported for this variant. This variant has not been reported in individuals affected with CACNA1S-related disorders in the literature. This variant has been identified in 12/251490 chromosomes in the general population by the Genome Aggregation Database (gnomAD). The available evidence is insufficient to determine the role of this variant in disease conclusively. Therefore, this variant is classified as a Variant of Uncertain Significance.

This study involves interpretation of variants in research participants for the purpose of population health screening. Participant phenotype was not available at the time of variant classification. Additional details can be found in publication PMID: 35346344, PMCID: PMC8962531

Genomic Research Center, Shahid Beheshti University of Medical Sciences
Classification: Uncertain significance for Hypokalemic periodic paralysis 1. Last evaluated: 2018-08-07. Review status: criteria provided, single submitter. Criteria: ACMG Guidelines, 2015. Collection method: clinical testing. Allele origin: unknown. Affected: yes. Observed: 1 variant allele.

NM_000069.3(CACNA1S):c.1285G>A (p.Val429Met)

Gene: CACNA1S (calcium voltage-gated channel subunit alpha1 S; minus strand). Cytogenetic location: 1q32.1.
Variant type: single nucleotide variant.
Coding change: c.1285G>A on transcript NM_000069.3 (MANE Select); coding-DNA position 1285, G replaced by A.
Protein change: p.Val429Met; replaces valine 429 with methionine.
Molecular consequence: missense variant.
Genome position (GRCh38, 1-based): chr1:201,083,270, C>T on the plus strand (G>A on the coding strand, the complement: CACNA1S is on the minus strand). VCF-style: chr1-201083270-C-T. GRCh37 (hg19) VCF-style: chr1-201052398-C-T.
Other names: short protein forms V429M.
Identifiers: ClinVar variation 587407 (VCV000587407.13), dbSNP rs750807406, ClinGen allele CA078114.